The following is an entry in ClinVar:

ClinVar aggregate classification (germline): Uncertain significance. Review status: criteria provided, multiple submitters, no conflicts (2 of 4 stars). 2 submissions from 2 submitters: Uncertain significance (2). Last evaluated 2022-07-02.

Allele frequency attached by ClinVar (database versions not stated): TOPMed 0.00001; gnomAD 0.00002 and 0.00003.
gnomAD v4.1: 3 of 1,612,844 alleles (0.00019%); highest among the groups gnomAD compares: African/African-American, 0.004%; no homozygotes.

Submissions (2):

Labcorp Genetics (formerly Invitae), Labcorp
Classification: Uncertain significance. Last evaluated: 2022-07-02. Review status: criteria provided, single submitter. Criteria: Invitae Variant Classification Sherloc (09022015). Collection method: clinical testing. Allele origin: germline.
Comment: This sequence change replaces phenylalanine, which is neutral and non-polar, with leucine, which is neutral and non-polar, at codon 535 of the TULP1 protein (p.Phe535Leu). This variant is present in population databases (no rsID available, gnomAD 0.02%). This missense change has been observed in individual(s) with clinical features of TULP1-related conditions (Invitae). ClinVar contains an entry for this variant (Variation ID: 1053227). Algorithms developed to predict the effect of missense changes on protein structure and function are either unavailable or do not agree on the potential impact of this missense change (SIFT: "Not Available"; PolyPhen-2: "Probably Damaging"; Align-GVGD: "Not Available"). Algorithms developed to predict the effect of sequence changes on RNA splicing suggest that this variant may create or strengthen a splice site. This variant disrupts the p.Phe535 amino acid residue in TULP1. Other variant(s) that disrupt this residue have been observed in individuals with TULP1-related conditions (PMID: 24265693), which suggests that this may be a clinically significant amino acid residue. In summary, the available evidence is currently insufficient to determine the role of this variant in disease. Therefore, it has been classified as a Variant of Uncertain Significance.

Blueprint Genetics
Classification: Uncertain significance. Last evaluated: 2020-04-27. Review status: criteria provided, single submitter. Criteria: ACMG Guidelines, 2015. Collection method: clinical testing. Allele origin: germline.

Literature cited by the submitters: PubMed 24265693 (cited by Labcorp Genetics (formerly Invitae), Labcorp).

NM_003322.6(TULP1):c.1605C>A (p.Phe535Leu)

Gene: TULP1 (TUB like protein 1; minus strand). Cytogenetic location: 6p21.31.
Variant type: single nucleotide variant.
Coding change: c.1605C>A on transcript NM_003322.6 (MANE Select); coding-DNA position 1605, C replaced by A.
Protein change: p.Phe535Leu; replaces phenylalanine 535 with leucine.
Molecular consequence: missense variant.
Genome position (GRCh38, 1-based): chr6:35,498,351, G>T on the plus strand (C>A on the coding strand, the complement: TULP1 is on the minus strand). VCF-style: chr6-35498351-G-T. GRCh37 (hg19) VCF-style: chr6-35466128-G-T.
Other names: c.1446C>A, p.Phe482Leu (NM_001289395.2); short protein forms F482L, F535L.
Identifiers: ClinVar variation 1053227 (VCV001053227.7), dbSNP rs1214120406, ClinGen allele CA363778174.
Genomic context (GRCh38, chr6:35,498,351, plus strand): 5'-CTGACGGGCTCTGGGGGCGCTGAGGGGCTGCTGGGGTCACTCGCAGGCCAGCTTCCCGTC[G>T]AAACTGGAGAGGGCGATGGCGAAGGCCTGCAGGGCGCACAGCGGGTACCGGTAGTCTAGG-3'
Protein context (NP_003313.3, residues 525-542): LQAFAIALSS[Phe535Leu]DGKLACE